The following is an entry in ClinVar:

ClinVar aggregate classification (germline): Uncertain significance (1 of 4 stars; one submission).

Conditions:
Epileptic encephalopathy. Identifiers: MedGen C0543888, HP:0200134.

Allele frequency attached by ClinVar (database versions not stated): TOPMed 0.00006.
gnomAD v4.1: 107 of 1,612,874 alleles (0.0066%); highest among the groups gnomAD compares: Admixed American, 0.0083%; no homozygotes.

Submission:

Labcorp Genetics (formerly Invitae), Labcorp
Classification: Uncertain significance for Epileptic encephalopathy. Last evaluated: 2025-01-06. Review status: criteria provided, single submitter. Criteria: Invitae Variant Classification Sherloc (09022015). Collection method: clinical testing. Allele origin: germline.
Comment: This sequence change falls in intron 42 of the FASN gene. It does not directly change the encoded amino acid sequence of the FASN protein. It affects a nucleotide within the consensus splice site. This variant is present in population databases (rs369516022, gnomAD 0.01%). This variant has not been reported in the literature in individuals affected with FASN-related conditions. ClinVar contains an entry for this variant (Variation ID: 572854). Variants that disrupt the consensus splice site are a relatively common cause of aberrant splicing (PMID: 17576681, 9536098). Algorithms developed to predict the effect of sequence changes on RNA splicing suggest that this variant is not likely to affect RNA splicing. In summary, the available evidence is currently insufficient to determine the role of this variant in disease. Therefore, it has been classified as a Variant of Uncertain Significance.

Literature cited by the submitters: PubMed 17576681; PubMed 9536098.

NM_004104.5(FASN):c.7398+4C>G

Gene: FASN (fatty acid synthase; minus strand). Cytogenetic location: 17q25.3.
Variant type: single nucleotide variant.
Coding change: c.7398+4C>G on transcript NM_004104.5 (MANE Select); 4 bases into the intron after coding-DNA position 7398, C replaced by G.
Molecular consequence: intron variant.
Genome position (GRCh38, 1-based): chr17:82,079,353, G>C on the plus strand (C>G on the coding strand, the complement: FASN is on the minus strand). VCF-style: chr17-82079353-G-C. GRCh37 (hg19) VCF-style: chr17-80037229-G-C.
Identifiers: ClinVar variation 572854 (VCV000572854.10), dbSNP rs369516022, ClinGen allele CA8851015.
Genomic context (GRCh38, chr17:82,079,353, plus strand): 5'-CGATCAGCTGCCGTCCCACCCCACTCCTGTCCCTGTCCCCGTTCCCGTCAGGCCCCTTGC[G>C]CACCTGGGAGAGGTTGTAGTCCGCGCCCAGGTCCTCGCCGTAGGCGCCACCCGTCTTGGC-3'